The following is an entry in ClinVar:

ClinVar aggregate classification (germline): Uncertain significance. Review status: criteria provided, multiple submitters, no conflicts (2 of 4 stars). 4 submissions from 4 submitters: Uncertain significance (4). Last evaluated 2026-02-03.

Conditions:
OTOG-related disorder. Also called: OTOG-related condition.

Submissions (4):

PreventionGenetics, part of Exact Sciences
Classification: Uncertain significance for OTOG-related condition. Last evaluated: 2026-02-03. Review status: criteria provided, single submitter. Criteria: ACMG Guidelines, 2015. Collection method: clinical testing. Allele origin: germline.
Comment: The OTOG c.8194_8196dupACC variant is predicted to result in an in-frame duplication (p.Thr2732dup). To our knowledge, this variant has not been reported in the literature. This variant is reported in 0.051% of alleles in individuals of European (Non-Finnish) descent in gnomAD. Although we suspect that this variant may be benign, at this time, the clinical significance of this variant is uncertain due to the absence of conclusive functional and genetic evidence.

GeneDx
Classification: Uncertain significance. Last evaluated: 2026-01-07. Review status: criteria provided, single submitter. Criteria: GeneDx Variant Classification Process June 2021. Collection method: clinical testing. Allele origin: germline. Affected: yes.
Comment: In-frame duplication of 1 amino acids in a non-repeat region; Has not been previously published as pathogenic or benign to our knowledge

Labcorp Genetics (formerly Invitae), Labcorp
Classification: Uncertain significance. Last evaluated: 2024-09-27. Review status: criteria provided, single submitter. Criteria: Invitae Variant Classification Sherloc (09022015). Collection method: clinical testing. Allele origin: germline.
Comment: This variant, c.8194_8196dup, results in the insertion of 1 amino acid(s) of the OTOG protein (p.Thr2732dup), but otherwise preserves the integrity of the reading frame. This variant is present in population databases (rs749534085, gnomAD 0.05%). This variant has not been reported in the literature in individuals affected with OTOG-related conditions. ClinVar contains an entry for this variant (Variation ID: 1201800). Experimental studies and prediction algorithms are not available or were not evaluated, and the functional significance of this variant is currently unknown. In summary, the available evidence is currently insufficient to determine the role of this variant in disease. Therefore, it has been classified as a Variant of Uncertain Significance.

Blueprint Genetics
Classification: Uncertain significance. Last evaluated: 2024-09-25. Review status: criteria provided, single submitter. Criteria: ACMG Guidelines, 2015. Collection method: clinical testing. Allele origin: germline.

NM_001292063.2(OTOG):c.8155ACC[3] (p.Thr2720dup)

Gene: OTOG (otogelin; plus strand). Cytogenetic location: 11p15.1.
Variant type: Microsatellite.
Coding change: c.8155ACC[3] on transcript NM_001292063.2 (MANE Select); three copies in a row of the 3-base unit ACC starting at c.8155; the reference has two copies in a row; one copy, 3 bases duplicated.
Protein change: p.Thr2720dup; duplicates threonine 2720.
Molecular consequence: inframe insertion.
Genome position (GRCh38, 1-based): chr11:17,641,059-17,641,061, ACC duplicated; duplicating any 3 consecutive bases within chr11:17,641,055-17,641,061 gives the same sequence; the position shown is the placement nearest the transcript's 3' end. VCF-style (leftmost placement, unchanged base first): chr11-17641054-A-ACAC. GRCh37 (hg19) VCF-style: chr11-17662601-A-ACAC.
Other names: c.8194_8196dup (NM_001277269.1); c.8191ACC[3], p.Thr2732dup (NM_001277269.2); c.8194_8196dupACC (NM_001277269.1).
Identifiers: ClinVar variation 1201800 (VCV001201800.15), dbSNP rs749534085, ClinGen allele CA5906234.